The following is an entry in ClinVar:

NM_000092.5(COL4A4):c.819_821dup (p.Ile274_Lys275insIle)

Gene: COL4A4 (collagen type IV alpha 4 chain; minus strand). Cytogenetic location: 2q36.3.
Variant type: Duplication.
Coding change: c.819_821dup on transcript NM_000092.5 (MANE Select); coding-DNA positions 819 to 821, 3 bases duplicated (TAT; older notation c.819_821dupTAT).
Protein change: p.Ile274_Lys275insIle.
Molecular consequence: inframe insertion.
Genome position (GRCh38, 1-based): chr2:227,103,193-227,103,195, ATA duplicated on the plus strand (TAT on the coding strand, the reverse complement: COL4A4 is on the minus strand). VCF-style (leftmost placement, unchanged base first): chr2-227103192-T-TATA. GRCh37 (hg19) VCF-style: chr2-227967908-T-TATA.
Identifiers: ClinVar variation 2739626 (VCV002739626.3), dbSNP rs2475607251, ClinGen allele CA2697550517.
Genomic context (GRCh38, chr2:227,103,192, plus strand): 5'-TAAATAAACTACCTTGCGTCCTGGTGGTCCTGGCAGTCCAACCATTCCAGGAATTCCTTT[T>TATA]ATACCCTAAAAATTACAATGAATATAATTTGGTCTATTCTTATTATTTAACATACTGAAT-3'

ClinVar aggregate classification (germline): Uncertain significance (1 of 4 stars; one submission).

Submission:

Labcorp Genetics (formerly Invitae), Labcorp
Classification: Uncertain significance. Last evaluated: 2023-07-09. Review status: criteria provided, single submitter. Criteria: Invitae Variant Classification Sherloc (09022015). Collection method: clinical testing. Allele origin: germline.
Comment: In summary, the available evidence is currently insufficient to determine the role of this variant in disease. Therefore, it has been classified as a Variant of Uncertain Significance. This variant has not been reported in the literature in individuals affected with COL4A4-related conditions. This variant is not present in population databases (gnomAD no frequency). This variant, c.819_821dup, results in the insertion of 1 amino acid(s) of the COL4A4 protein (p.Ile274dup), but otherwise preserves the integrity of the reading frame.